The following is an entry in ClinVar:

NM_000388.4(CASR):c.1512_1515del (p.Phe505fs)

Gene: CASR (calcium sensing receptor; plus strand). Cytogenetic location: 3q21.1.
Variant type: Deletion.
Coding change: c.1512_1515del on transcript NM_000388.4 (MANE Select); coding-DNA positions 1512 to 1515, 4 bases deleted (GTTT; older notation c.1512_1515delGTTT).
Protein change: p.Phe505fs; shifts the reading frame from phenylalanine 505.
Molecular consequence: frameshift variant.
Genome position (GRCh38, 1-based): chr3:122,275,946-122,275,949, GTTT deleted; deleting any 4 consecutive bases within chr3:122,275,945-122,275,949 gives the same sequence; the c. name uses the placement nearest the transcript's 3' end. VCF-style (leftmost placement, unchanged base first): chr3-122275944-GTGTT-G. GRCh37 (hg19) VCF-style: chr3-121994791-GTGTT-G.
Other names: c.1512_1515del, p.Phe505fs (NM_001178065.2); short protein forms F505fs.
Identifiers: ClinVar variation 35777 (VCV000035777.3), dbSNP rs193922422, ClinGen allele CA213563.

ClinVar aggregate classification (germline): Likely pathogenic (1 of 4 stars; one submission).

Conditions:
Familial hypocalciuric hypercalcemia (FHH). Also called: Familial benign hypercalcemia. Identifiers: Orphanet 405, MedGen C1809471, MONDO:0018458.

Submission:

Women's Health and Genetics/Laboratory Corporation of America, LabCorp
Classification: Likely pathogenic for Familial Hypocalciuric Hypercalcemia. Last evaluated: 2011-08-18. Review status: criteria provided, single submitter. Criteria: LabCorp Variant Classification Summary - May 2015. Collection method: curation, clinical testing. Allele origin: germline. Inheritance: autosomal unknown. Affected: yes.
ClinVar note: Converted during submission from likely pathogenic to Likely pathogenic.